The following is an entry in ClinVar:

NM_020529.3(NFKBIA):c.935G>A (p.Gly312Asp)

Gene: NFKBIA (NFKB inhibitor alpha; minus strand). Cytogenetic location: 14q13.2.
Variant type: single nucleotide variant.
Coding change: c.935G>A on transcript NM_020529.3 (MANE Select); coding-DNA position 935, G replaced by A.
Protein change: p.Gly312Asp; replaces glycine 312 with aspartic acid.
Molecular consequence: missense variant.
Genome position (GRCh38, 1-based): chr14:35,402,032, C>T on the plus strand (G>A on the coding strand, the complement: NFKBIA is on the minus strand). VCF-style: chr14-35402032-C-T. GRCh37 (hg19) VCF-style: chr14-35871238-C-T.
Other names: short protein forms G312D.
Identifiers: ClinVar variation 3678227 (VCV003678227.2).

ClinVar aggregate classification (germline): Uncertain significance (1 of 4 stars; one submission).

Conditions:
Ectodermal dysplasia and immunodeficiency 2. Identifiers: Orphanet 238468, Orphanet 98813, MedGen C2677481, MONDO:0012806, OMIM 612132.

gnomAD v4.1: 1 of 1,614,012 alleles (0.000062%); highest among the groups gnomAD compares: Non-Finnish European, 0.000085%; no homozygotes.

Submission:

Labcorp Genetics (formerly Invitae), Labcorp
Classification: Uncertain significance for Ectodermal dysplasia and immunodeficiency 2. Last evaluated: 2024-10-28. Review status: criteria provided, single submitter. Criteria: Invitae Variant Classification Sherloc (09022015). Collection method: clinical testing. Allele origin: germline.
Comment: This sequence change replaces glycine, which is neutral and non-polar, with aspartic acid, which is acidic and polar, at codon 312 of the NFKBIA protein (p.Gly312Asp). This variant is not present in population databases (gnomAD no frequency). This variant has not been reported in the literature in individuals affected with NFKBIA-related conditions. An algorithm developed to predict the effect of missense changes on protein structure and function (PolyPhen-2) suggests that this variant is likely to be disruptive. In summary, the available evidence is currently insufficient to determine the role of this variant in disease. Therefore, it has been classified as a Variant of Uncertain Significance.